The following is an entry in ClinVar:

NM_138694.4(PKHD1):c.652G>A (p.Glu218Lys)

Gene: PKHD1 (PKHD1 ciliary IPT domain containing fibrocystin/polyductin; minus strand). Cytogenetic location: 6p12.2.
Variant type: single nucleotide variant.
Coding change: c.652G>A on transcript NM_138694.4 (MANE Select); coding-DNA position 652, G replaced by A.
Protein change: p.Glu218Lys; replaces glutamic acid 218 with lysine.
Molecular consequence: missense variant.
Genome position (GRCh38, 1-based): chr6:52,071,021, C>T on the plus strand (G>A on the coding strand, the complement: PKHD1 is on the minus strand). VCF-style: chr6-52071021-C-T. GRCh37 (hg19) VCF-style: chr6-51935819-C-T.
Other names: c.652G>A, p.Glu218Lys (NM_170724.3); short protein forms E218K.
Identifiers: ClinVar variation 199185 (VCV000199185.67), dbSNP rs149522482, ClinGen allele CA248265.

ClinVar aggregate classification (germline): Conflicting classifications of pathogenicity. Review status: criteria provided, conflicting classifications (1 of 4 stars). 8 submissions from 8 submitters: Uncertain significance (3); Benign (1); Likely benign (1). 3 of the submissions do not count toward it. Last evaluated 2026-01-31.

Conditions:
PKHD1-related disorder. Also called: PKHD1-related condition.
Autosomal dominant polycystic liver disease. Also called: Polycystic liver disease; Congenital cystic disease of liver. Identifiers: Orphanet 2924, MedGen C0158683, MONDO:0000447, HP:0006557.
Polycystic kidney disease 4 (PKD4). Also called: POLYCYSTIC KIDNEY AND HEPATIC DISEASE 1; POLYCYSTIC KIDNEY DISEASE, INFANTILE, TYPE I; POLYCYSTIC KIDNEY DISEASE 4 WITH OR WITHOUT POLYCYSTIC LIVER DISEASE; PKD3; Autosomal Recessive Polycystic Kidney Disease – PKHD1. Identifiers: MedGen C4540575, MONDO:0033004, OMIM 263200.
Autosomal recessive polycystic kidney disease (ARPKD). Also called: AR polycystic kidney disease. Identifiers: Orphanet 731, Orphanet 8378, MedGen C0085548, MeSH D017044, MONDO:0009889.

Allele frequency attached by ClinVar (database versions not stated): gnomAD exomes 0.00038 and 0.00071; ExAC 0.00067; gnomAD 0.00178 and 0.00198; 1000 Genomes Project 30x 0.00203; ESP Exome Variant Server 0.00208; TOPMed 0.00214; 1000 Genomes Project 0.00220.
gnomAD v4.1: 867 of 1,601,554 alleles (0.054%); highest among the groups gnomAD compares: African/African-American, 0.49%; 2 homozygotes.

Submissions (9):

Labcorp Genetics (formerly Invitae), Labcorp
Classification: Benign for Autosomal recessive polycystic kidney disease. Last evaluated: 2026-01-31. Review status: criteria provided, single submitter. Criteria: Invitae Variant Classification Sherloc (09022015). Collection method: clinical testing. Allele origin: germline.

Mayo Clinic Laboratories, Mayo Clinic
Classification: Uncertain significance. Last evaluated: 2025-09-03. Review status: criteria provided, single submitter. Criteria: ACMG Guidelines, 2015. Collection method: clinical testing. Allele origin: germline. Observed: 4 variant alleles.
Comment: BS1, PP4, PM3

CeGaT Center for Human Genetics Tuebingen
Classification: Likely benign. Last evaluated: 2024-04-01. Review status: criteria provided, single submitter. Criteria: CeGaT Center For Human Genetics Tuebingen Variant Classification Criteria Version 2. Collection method: clinical testing. Allele origin: germline. Affected: yes. Observed: 1 variant allele.
Comment: PKHD1: BS2

Myriad Genetics, Inc.
Classification: Uncertain significance for Polycystic kidney disease 4. Last evaluated: 2021-11-04. Review status: criteria provided, single submitter. Criteria: Myriad Women's Health Autosomal Recessive and X-Linked Classification Criteria (2021). Collection method: clinical testing. Allele origin: unknown.
Comment: NM_138694.3(PKHD1):c.652G>A(E218K) is a missense variant classified as a variant of uncertain significance in the context of autosomal recessive polycystic kidney disease, PKHD1-related. E218K has been observed in cases with relevant disease (PMID: 16133180, 27225849, 25701400). Functional assessments of this variant are not available in the literature. E218K has been observed in population frequency databases (gnomAD: AFR 0.51%). In summary, there is insufficient evidence to classify NM_138694.3(PKHD1):c.652G>A(E218K) as pathogenic or benign. Please note: this variant was assessed in the context of healthy population screening.

Eurofins Ntd Llc (ga)
Classification: Uncertain significance. Last evaluated: 2018-09-18. Review status: criteria provided, single submitter. Criteria: EGL ClinVar v180209 classification definitions. Collection method: clinical testing. Allele origin: germline. Observed: 16 variant alleles, 16 heterozygotes.

Laboratory of Gastroenterology and Hepatology, Radboud University Medical Center
Classification: Likely benign for Autosomal dominant polycystic liver disease. Last evaluated: 2021-09-01. Review status: no assertion criteria provided. Collection method: research. Allele origin: germline. Affected: yes. Not counted in ClinVar's aggregate classification.

PreventionGenetics, part of Exact Sciences
Classification: Likely benign for PKHD1-related condition. Last evaluated: 2021-05-21. Review status: no assertion criteria provided. Collection method: clinical testing. Allele origin: germline. Not counted in ClinVar's aggregate classification.
Comment: This variant is classified as likely benign based on ACMG/AMP sequence variant interpretation guidelines (Richards et al. 2015 PMID: 25741868, with internal and published modifications).

Natera, Inc.
Classification: Uncertain significance for Autosomal recessive polycystic kidney disease. Last evaluated: 2017-05-07. Review status: no assertion criteria provided. Collection method: clinical testing. Allele origin: germline. Not counted in ClinVar's aggregate classification.

Dr. Peter K. Rogan Lab, Western University
No classification provided (evidence only). Condition: Nonpapillary renal cell carcinoma. Review status: no classification provided. Collection method: in vitro. Allele origin: not applicable. Functional consequence: skipped exon, retained intron. Not counted in ClinVar's aggregate classification.

Literature cited by the submitters: PubMed 16133180 (cited by Mayo Clinic Laboratories, Mayo Clinic and Myriad Genetics, Inc.); PubMed 25646624 (cited by Mayo Clinic Laboratories, Mayo Clinic); PubMed 25701400 (cited by Mayo Clinic Laboratories, Mayo Clinic and Myriad Genetics, Inc.); PubMed 27225849 (cited by Mayo Clinic Laboratories, Mayo Clinic and Myriad Genetics, Inc.); PubMed 26489027 (cited by Eurofins Ntd Llc (ga)).